The following is an entry in ClinVar:

NM_005431.2(XRCC2):c.824G>T (p.Ser275Ile)

Gene: XRCC2 (X-ray repair cross complementing 2; minus strand). Cytogenetic location: 7q36.1.
Variant type: single nucleotide variant.
Coding change: c.824G>T on transcript NM_005431.2 (MANE Select); coding-DNA position 824, G replaced by T.
Protein change: p.Ser275Ile; replaces serine 275 with isoleucine.
Molecular consequence: missense variant.
Genome position (GRCh38, 1-based): chr7:152,648,661, C>A on the plus strand (G>T on the coding strand, the complement: XRCC2 is on the minus strand). VCF-style: chr7-152648661-C-A. GRCh37 (hg19) VCF-style: chr7-152345746-C-A.
Other names: short protein forms S275I.
Identifiers: ClinVar variation 3817845 (VCV003817845.1).

ClinVar aggregate classification (germline): Uncertain significance (1 of 4 stars; one submission).

Conditions:
Hereditary cancer-predisposing syndrome. Also called: Hereditary neoplastic syndrome; Neoplastic Syndromes, Hereditary; Tumor predisposition; Hereditary Cancer Syndrome. Identifiers: Orphanet 140162, MedGen C0027672, MeSH D009386, MONDO:0015356.

Submission:

Ambry Genetics
Classification: Uncertain significance for Hereditary cancer-predisposing syndrome. Last evaluated: 2025-02-04. Review status: criteria provided, single submitter. Criteria: Ambry Variant Classification Scheme 2023. Collection method: clinical testing. Allele origin: germline.
Comment: The p.S275I variant (also known as c.824G>T), located in coding exon 3 of the XRCC2 gene, results from a G to T substitution at nucleotide position 824. The serine at codon 275 is replaced by isoleucine, an amino acid with dissimilar properties. This amino acid position is conserved. In addition, this alteration is predicted to be tolerated by in silico analysis. Based on the available evidence, the clinical significance of this variant remains unclear.